The following is an entry in ClinVar:

NM_000052.7(ATP7A):c.1766A>C (p.His589Pro)

Gene: ATP7A (ATPase copper transporting alpha; plus strand). Cytogenetic location: Xq21.1.
Variant type: single nucleotide variant.
Coding change: c.1766A>C on transcript NM_000052.7 (MANE Select); coding-DNA position 1766, A replaced by C.
Protein change: p.His589Pro; replaces histidine 589 with proline.
Molecular consequence: missense variant.
Genome position (GRCh38, 1-based): chrX:78,009,160, A>C. VCF-style: chrX-78009160-A-C. GRCh37 (hg19) VCF-style: chrX-77264657-A-C.
Other names: c.1766A>C, p.His589Pro (NM_001282224.2); short protein forms H589P.
Identifiers: ClinVar variation 4789441 (VCV004789441.1).

ClinVar aggregate classification (germline): Uncertain significance (1 of 4 stars; one submission).

Conditions:
Menkes kinky-hair syndrome (MNK). Also called: Menkes Disease; Copper transport disease; Classic Menkes Disease. Identifiers: Orphanet 565, MedGen C0022716, MONDO:0010651, OMIM 309400.
Cutis laxa, X-linked (OHS). Also called: EDS IX; Occipital horn syndrome. Identifiers: Orphanet 198, MedGen C0268353, MONDO:0010572, OMIM 304150.
X-linked distal spinal muscular atrophy type 3. Also called: ATP7A-Related Distal Motor Neuropathy; SPINAL MUSCULAR ATROPHY, DISTAL, X-LINKED RECESSIVE; NEURONOPATHY, DISTAL HEREDITARY MOTOR, X-LINKED; NEUROPATHY, DISTAL HEREDITARY MOTOR, X-LINKED. Identifiers: Orphanet 139557, MedGen C1845359, MONDO:0010338, OMIM 300489.

Submission:

Labcorp Genetics (formerly Invitae), Labcorp
Classification: Uncertain significance for X-linked distal spinal muscular atrophy type 3; Cutis laxa, X-linked; Menkes kinky-hair syndrome. Last evaluated: 2025-12-22. Review status: criteria provided, single submitter. Criteria: Invitae Variant Classification Sherloc (09022015). Collection method: clinical testing. Allele origin: germline.
Comment: This sequence change replaces histidine, which is basic and polar, with proline, which is neutral and non-polar, at codon 589 of the ATP7A protein (p.His589Pro). This variant is not present in population databases (gnomAD no frequency). This variant has not been reported in the literature in individuals affected with ATP7A-related conditions. Invitae Evidence Modeling of protein sequence and biophysical properties (such as structural, functional, and spatial information, amino acid conservation, physicochemical variation, residue mobility, and thermodynamic stability) indicates that this missense variant is not expected to disrupt ATP7A protein function with a negative predictive value of 95%. In summary, the available evidence is currently insufficient to determine the role of this variant in disease. Therefore, it has been classified as a Variant of Uncertain Significance.